The following is an entry in ClinVar:

NM_001289808.2(CRYAB):c.216G>A (p.Lys72=)

Gene: CRYAB (crystallin alpha B; minus strand). Cytogenetic location: 11q23.1.
Variant type: single nucleotide variant.
Coding change: c.216G>A on transcript NM_001289808.2 (MANE Select); coding-DNA position 216, G replaced by A.
Protein change: p.Lys72=; no amino-acid change (lysine 72 retained).
Molecular consequence: synonymous variant.
Genome position (GRCh38, 1-based): chr11:111,910,435, C>T on the plus strand (G>A on the coding strand, the complement: CRYAB is on the minus strand). VCF-style: chr11-111910435-C-T. GRCh37 (hg19) VCF-style: chr11-111781159-C-T.
Other names: c.216G>A, p.Lys72= (NM_001289807.1, NM_001368245.1, NM_001885.3); c.15G>A, p.Lys5= (NM_001330379.1, NM_001368246.1).
Identifiers: ClinVar variation 477732 (VCV000477732.16), dbSNP rs561116151, ClinGen allele CA6275537.

ClinVar aggregate classification (germline): Benign/Likely benign. Review status: criteria provided, multiple submitters, no conflicts (2 of 4 stars). 4 submissions from 4 submitters: Benign (1); Likely benign (3). Last evaluated 2026-01-06.

Conditions:
Cardiovascular phenotype. Identifiers: MedGen CN230736.
Dilated cardiomyopathy 1II (CMD1II). Identifiers: Orphanet 154, MedGen C3554649, MONDO:0014073, OMIM 615184.

Allele frequency attached by ClinVar (database versions not stated): ExAC 0.00004; gnomAD exomes 0.00004; gnomAD 0.00006; TOPMed 0.00010; 1000 Genomes Project 30x 0.00016; 1000 Genomes Project 0.00020.
gnomAD v4.1: 64 of 1,614,126 alleles (0.004%); highest among the groups gnomAD compares: African/African-American, 0.032%; no homozygotes.

Submissions (4):

Labcorp Genetics (formerly Invitae), Labcorp
Classification: Likely benign for Dilated cardiomyopathy 1II. Last evaluated: 2026-01-06. Review status: criteria provided, single submitter. Criteria: Invitae Variant Classification Sherloc (09022015). Collection method: clinical testing. Allele origin: germline.

Women's Health and Genetics/Laboratory Corporation of America, LabCorp
Classification: Benign. Last evaluated: 2025-09-08. Review status: criteria provided, single submitter. Criteria: LabCorp Variant Classification Summary - May 2015. Collection method: clinical testing. Allele origin: germline.

Ambry Genetics
Classification: Likely benign for Cardiovascular phenotype. Last evaluated: 2020-01-31. Review status: criteria provided, single submitter. Criteria: Ambry Variant Classification Scheme 2023. Collection method: clinical testing. Allele origin: germline.

GeneDx
Classification: Likely benign. Last evaluated: 2018-05-04. Review status: criteria provided, single submitter. Criteria: GeneDx Variant Classification (06012015). Collection method: clinical testing. Allele origin: germline. Affected: yes.
Comment: This variant is considered likely benign or benign based on one or more of the following criteria: it is a conservative change, it occurs at a poorly conserved position in the protein, it is predicted to be benign by multiple in silico algorithms, and/or has population frequency not consistent with disease.